The following is an entry in ClinVar:

NC_000017.11:g.(?_61715941)_(61716073_?)dup

Gene: BRIP1 (BRCA1 interacting DNA helicase 1; minus strand). Cytogenetic location: 17q23.2.
Variant type: Duplication.
Identifiers: ClinVar variation 832713 (VCV000832713.5).

ClinVar aggregate classification (germline): Uncertain significance (1 of 4 stars; one submission).

Conditions:
Familial cancer of breast. Also called: BREAST CANCER, FAMILIAL; hereditary breast carcinoma; Hereditary breast cancer. Identifiers: Orphanet 227535, MedGen C0346153, MONDO:0016419, OMIM 114480. Disease mechanism: loss of function.
Fanconi anemia complementation group J. Also called: BRIP1-Related Fanconi Anemia. Identifiers: Orphanet 84, MedGen C1836860, MONDO:0012187, OMIM 609054.

Submission:

Labcorp Genetics (formerly Invitae), Labcorp
Classification: Uncertain significance for Familial cancer of breast; Fanconi anemia complementation group J. Last evaluated: 2023-03-09. Review status: criteria provided, single submitter. Criteria: Invitae Variant Classification Sherloc (09022015). Collection method: clinical testing. Allele origin: germline.
Comment: In summary, the available evidence is currently insufficient to determine the role of this variant in disease. Therefore, it has been classified as a Variant of Uncertain Significance. This variant has not been reported in the literature in individuals affected with BRIP1-related conditions. This variant results in a copy number gain of the genomic region encompassing exon(s) 17 of the BRIP1 gene. While the exact position of this variant cannot be determined from the data, sub-genic copy number gains are generally in tandem (PMID: 25640679). This variant is predicted to be out-of-frame, and may result in an absent or disrupted protein product. Loss-of-function variants in BRIP1 are known to be pathogenic (PMID: 16116423, 17033622, 21964575).

Literature cited by the submitters: PubMed 25640679; PubMed 16116423; PubMed 17033622; PubMed 21964575.